The following is an entry in ClinVar:

ClinVar aggregate classification (germline): Pathogenic/Likely pathogenic. Review status: criteria provided, multiple submitters, no conflicts (2 of 4 stars). 5 submissions from 5 submitters: Pathogenic (4); Likely pathogenic (1). Last evaluated 2024-10-22.

Conditions:
CAPN1-related disorder. Also called: CAPN1-related condition.
Hereditary spastic paraplegia 11. Also called: Nakamura Osame syndrome; Autosomal recessive hereditary spastic paraplegia, mental impairment, and thin corpus callosum; Spastic Paraplegia 11; SPASTIC PARAPLEGIA, AUTOSOMAL RECESSIVE, COMPLICATED, WITH THIN CORPUS CALLOSUM; SPASTIC PARAPLEGIA, AUTOSOMAL RECESSIVE, WITH MENTAL IMPAIRMENT AND THIN CORPUS CALLOSUM; Spastic paraplegia, mental retardation and thin corpus callosum. Identifiers: Orphanet 2822, MedGen C1858479, MONDO:0011445, OMIM 604360.
Autosomal recessive spastic paraplegia type 76. Identifiers: Orphanet 488594, MedGen C5567483, MONDO:0014827, OMIM 616907.

Allele frequency attached by ClinVar (database versions not stated): gnomAD exomes below 0.00001.
gnomAD v4.1: 6 of 1,558,632 alleles (0.00038%); highest among the groups gnomAD compares: Non-Finnish European, 0.00043%; no homozygotes.

Submissions (5):

Blueprint Genetics
Classification: Pathogenic for CAPN1-related disorders. Last evaluated: 2024-10-22. Review status: criteria provided, single submitter. Criteria: ACMG Guidelines, 2015. Collection method: clinical testing. Allele origin: germline. Affected: yes. Observed: 2 variant alleles.

3billion
Classification: Pathogenic for Autosomal recessive spastic paraplegia type 76. Last evaluated: 2024-03-10. Review status: criteria provided, single submitter. Criteria: ACMG Guidelines, 2015. Collection method: clinical testing. Allele origin: germline. Affected: yes.
Comment: The variant is not observed in the gnomAD v2.1.1 dataset. Predicted Consequence/Location: Stop-gained (nonsense): predicted to result in a loss or disruption of normal protein function through nonsense-mediated decay (NMD) or protein truncation. Multiple pathogenic variants are reported downstream of the variant. The variant has been reported to be associated with CAPN1 related disorder (ClinVar ID: VCV000489121 /PMID: 32352326 /3billion dataset). Therefore, this variant is classified as Pathogenic according to the recommendation of ACMG/AMP guideline.

Kariminejad - Najmabadi Pathology & Genetics Center
Classification: Pathogenic for Autosomal recessive spastic paraplegia type 76. Last evaluated: 2024-03-02. Review status: criteria provided, single submitter. Criteria: ACMG Guidelines, 2015. Collection method: clinical testing. Allele origin: germline. Inheritance: Autosomal recessive inheritance. Affected: yes.
Comment: (PVS1,PM2,PP5)

GeneDx
Classification: Pathogenic. Last evaluated: 2017-11-29. Review status: criteria provided, single submitter. Criteria: GeneDx Variant Classification (06012015). Collection method: clinical testing. Allele origin: germline. Affected: yes.
Comment: The R285X variant in the CAPN1 gene has not been reported previously as a pathogenic variant nor as a benign variant, to our knowledge. This variant is predicted to cause loss of normal protein function either through protein truncation or nonsense-mediated mRNA decay. The R285X variant is not observed in large population cohorts (Lek et al., 2016). We interpret R285X as a pathogenic variant.

Neuberg Centre For Genomic Medicine, NCGM
Classification: Likely pathogenic for Hereditary spastic paraplegia 11. Review status: criteria provided, single submitter. Criteria: ACMG Guidelines, 2015. Collection method: clinical testing. Allele origin: germline. Inheritance: Autosomal recessive inheritance. Affected: yes.

Literature cited by the submitters: PubMed 32352326 (cited by 3billion).

NM_005186.4(CAPN1):c.853C>T (p.Arg285Ter)

Gene: CAPN1 (calpain 1; plus strand). Cytogenetic location: 11q13.1.
Variant type: single nucleotide variant.
Coding change: c.853C>T on transcript NM_005186.4 (MANE Select); coding-DNA position 853, C replaced by T.
Protein change: p.Arg285Ter; replaces arginine 285 with a stop codon.
Molecular consequence: nonsense. On other transcripts: non-coding transcript variant (1).
Genome position (GRCh38, 1-based): chr11:65,187,964, C>T. VCF-style: chr11-65187964-C-T. GRCh37 (hg19) VCF-style: chr11-64955435-C-T.
Other names: c.853C>T, p.Arg285Ter (NM_001198868.2, NM_001198869.2); short protein forms R285*.
Identifiers: ClinVar variation 489121 (VCV000489121.5), dbSNP rs1033093801, ClinGen allele CA223931937.